The following is an entry in ClinVar:

ClinVar aggregate classification (germline): Pathogenic. Review status: criteria provided, single submitter (1 of 4 stars). 2 submissions from 2 submitters: Pathogenic (1). 1 of the submissions does not count toward it.

Conditions:
Waardenburg syndrome type 2E (WS2E). Also called: WAARDENBURG SYNDROME, TYPE 2E, WITH OR WITHOUT NEUROLOGIC INVOLVEMENT; WS2E, WITH OR WITHOUT NEUROLOGIC INVOLVEMENT; HYPOGONADOTROPIC HYPOGONADISM WITH ANOSMIA AND DEAFNESS, WITH OR WITHOUT HYPOPIGMENTATION. Identifiers: Orphanet 3440, MedGen C2700405, MONDO:0012698, OMIM 611584.
Waardenburg syndrome type 4C (WS4C). Also called: WAARDENBURG SYNDROME WITH HIRSCHSPRUNG DISEASE, TYPE 4C. Identifiers: Orphanet 897, MedGen C2750452, MONDO:0013202, OMIM 613266.

Submissions (2):

Neuberg Centre For Genomic Medicine, NCGM
Classification: Pathogenic for Waardenburg syndrome type 4C. Review status: criteria provided, single submitter. Criteria: ACMG Guidelines, 2015. Collection method: clinical testing. Allele origin: germline. Inheritance: Autosomal dominant inheritance. Affected: yes.
Comment: The missense variant c.479T>C (p.Leu160Pro) in SOX10 gene has been reported in heterozygous state in individuals affected with Waardenburg Syndrome (Thongpradit, Supranee et al.). Experimental studies have shown that this missense variant p.Leu160Pro suggests a weak dominant-negative mechanism or potential haploinsufficiency associated with the marked decrease of protein produced (Thongpradit, Supranee et al.). The p.Leu160Pro variant is novel (not in any individuals) in gnomAD exomes and 1000 Genomes. This variant has been reported to the ClinVar database as Pathogenic. The amino acid Leu at position 160 is changed to a Pro changing protein sequence and it might alter its composition and physico-chemical properties.The amino acid change p.Leu160Pro in SOX10 is predicted as conserved by GERP++ and PhyloP across 100 vertebrates. For these reasons, this variant has been classified as Pathogenic.

Department of Pediatrics, Division of Medical Genetics, Faculty of Medicine Ramathibodi Hospital, Mahidol University
Classification: Pathogenic for Waardenburg syndrome type 2E. Last evaluated: 2020-05-02. Review status: no assertion criteria provided. Collection method: research. Allele origin: de novo. Inheritance: Sporadic. Affected: yes. Observed: 1 heterozygote. Not counted in ClinVar's aggregate classification.
Comment: 1. de novo occurrence. 2. supporting evidences from functional studies: reporter assay confirmed sever disruption of MITF transcription activation activity ; subcellular localization study indicated deceased nuclear localization compared to wildtype SOX10.

NM_006941.4(SOX10):c.479T>C (p.Leu160Pro)

Genes: POLR2F (RNA polymerase II, I and III subunit F; plus strand), SOX10 (SRY-box transcription factor 10; minus strand). Cytogenetic location: 22q13.1.
Variant type: single nucleotide variant.
Coding change: c.479T>C on transcript NM_006941.4 (MANE Select); coding-DNA position 479, T replaced by C.
Protein change: p.Leu160Pro; replaces leucine 160 with proline.
Molecular consequence: missense variant. On other transcripts: intron variant (3).
Genome position (GRCh38, 1-based): chr22:37,978,085, A>G on the plus strand (T>C on the coding strand, the complement: SOX10 is on the minus strand). VCF-style: chr22-37978085-A-G. GRCh37 (hg19) VCF-style: chr22-38374092-A-G.
Other names: c.294-8069A>G (NM_001301130.2); c.293+10915A>G (NM_001301131.2); c.*38+5775A>G (NM_001363825.1); short protein forms L160P.
Identifiers: ClinVar variation 915452 (VCV000915452.5), dbSNP rs1482985217, ClinGen allele CA411497993.